The following is an entry in ClinVar:

NM_001174150.2(ARL13B):c.896A>C (p.Glu299Ala)

Gene: ARL13B (ARF like GTPase 13B; plus strand). Cytogenetic location: 3q11.2.
Variant type: single nucleotide variant.
Coding change: c.896A>C on transcript NM_001174150.2 (MANE Select); coding-DNA position 896, A replaced by C.
Protein change: p.Glu299Ala; replaces glutamic acid 299 with alanine.
Molecular consequence: missense variant. On other transcripts: non-coding transcript variant (2).
Genome position (GRCh38, 1-based): chr3:94,043,112, A>C. VCF-style: chr3-94043112-A-C. GRCh37 (hg19) VCF-style: chr3-93761956-A-C.
Other names: c.587A>C, p.Glu196Ala (NM_001174151.2); c.851A>C, p.Glu284Ala (NM_001321328.2); c.575A>C, p.Glu192Ala (NM_144996.4); c.896A>C, p.Glu299Ala (NM_182896.3); short protein forms E284A, E196A, E299A, E192A.
Identifiers: ClinVar variation 962007 (VCV000962007.6), dbSNP rs144961534, ClinGen allele CA2504206.

ClinVar aggregate classification (germline): Uncertain significance. Review status: criteria provided, multiple submitters, no conflicts (2 of 4 stars). 2 submissions from 2 submitters: Uncertain significance (2). Last evaluated 2025-01-21.

Conditions:
Inborn genetic diseases. Identifiers: MedGen C0950123, MeSH D030342.
Joubert syndrome 8 (JBTS8). Identifiers: Orphanet 475, MedGen C2676771, MONDO:0012855, OMIM 612291.

Allele frequency attached by ClinVar (database versions not stated): ExAC 0.00002; TOPMed 0.00004; gnomAD 0.00007; ESP Exome Variant Server 0.00008.
gnomAD v4.1: 121 of 1,613,696 alleles (0.0075%); highest among the groups gnomAD compares: Non-Finnish European, 0.0096%; no homozygotes.

Submissions (2):

Ambry Genetics
Classification: Uncertain significance for Inborn genetic diseases. Last evaluated: 2025-01-21. Review status: criteria provided, single submitter. Criteria: Ambry Variant Classification Scheme 2023. Collection method: clinical testing. Allele origin: germline.

Labcorp Genetics (formerly Invitae), Labcorp
Classification: Uncertain significance for Joubert syndrome 8. Last evaluated: 2023-08-04. Review status: criteria provided, single submitter. Criteria: Invitae Variant Classification Sherloc (09022015). Collection method: clinical testing. Allele origin: germline.
Comment: In summary, the available evidence is currently insufficient to determine the role of this variant in disease. Therefore, it has been classified as a Variant of Uncertain Significance. Advanced modeling of protein sequence and biophysical properties (such as structural, functional, and spatial information, amino acid conservation, physicochemical variation, residue mobility, and thermodynamic stability) performed at Invitae indicates that this missense variant is not expected to disrupt ARL13B protein function. This sequence change replaces glutamic acid, which is acidic and polar, with alanine, which is neutral and non-polar, at codon 299 of the ARL13B protein (p.Glu299Ala). ClinVar contains an entry for this variant (Variation ID: 962007). This variant has not been reported in the literature in individuals affected with ARL13B-related conditions. This variant is present in population databases (rs144961534, gnomAD 0.009%).